The following is an entry in ClinVar:

NM_001376.5(DYNC1H1):c.1151T>C (p.Ile384Thr)

Gene: DYNC1H1 (dynein cytoplasmic 1 heavy chain 1; plus strand). Cytogenetic location: 14q32.31.
Variant type: single nucleotide variant.
Coding change: c.1151T>C on transcript NM_001376.5 (MANE Select); coding-DNA position 1151, T replaced by C.
Protein change: p.Ile384Thr; replaces isoleucine 384 with threonine.
Molecular consequence: missense variant.
Genome position (GRCh38, 1-based): chr14:101,983,208, T>C. VCF-style: chr14-101983208-T-C. GRCh37 (hg19) VCF-style: chr14-102449545-T-C.
Other names: short protein forms I384T.
Identifiers: ClinVar variation 2637716 (VCV002637716.1), dbSNP rs2503685772, ClinGen allele CA391013547.

ClinVar aggregate classification (germline): Uncertain significance (1 of 4 stars; one submission).

Submission:

Women's Health and Genetics/Laboratory Corporation of America, LabCorp
Classification: Uncertain significance. Last evaluated: 2023-10-13. Review status: criteria provided, single submitter. Criteria: LabCorp Variant Classification Summary - May 2015. Collection method: clinical testing. Allele origin: germline.
Comment: Variant summary: DYNC1H1 c.1151T>C (p.Ile384Thr) results in a non-conservative amino acid change located in the Dynein heavy chain, tail domain (IPR013594) of the encoded protein sequence. Five of five in-silico tools predict a damaging effect of the variant on protein function. The variant was absent in 251414 control chromosomes. The available data on variant occurrences in the general population are insufficient to allow any conclusion about variant significance. To our knowledge, no occurrence of c.1151T>C in individuals affected with DYNC1H1-Related Disorders and no experimental evidence demonstrating its impact on protein function have been reported. No submitters have cited clinical-significance assessments for this variant to ClinVar after 2014. Based on the evidence outlined above, the variant was classified as uncertain significance.